The following is an entry in ClinVar:

NM_001111.5(ADAR):c.1052C>G (p.Pro351Arg)

Gene: ADAR (adenosine deaminase RNA specific; minus strand). Cytogenetic location: 1q21.3.
Variant type: single nucleotide variant.
Coding change: c.1052C>G on transcript NM_001111.5 (MANE Select); coding-DNA position 1052, C replaced by G.
Protein change: p.Pro351Arg; replaces proline 351 with arginine.
Molecular consequence: missense variant.
Genome position (GRCh38, 1-based): chr1:154,601,590, G>C on the plus strand (C>G on the coding strand, the complement: ADAR is on the minus strand). VCF-style: chr1-154601590-G-C. GRCh37 (hg19) VCF-style: chr1-154574066-G-C.
Other names: c.167C>G, p.Pro56Arg (NM_001025107.3, NM_001193495.2, NM_001365046.1 and 3 more transcripts); c.1079C>G, p.Pro360Arg (NM_001365045.1); c.1052C>G, p.Pro351Arg (NM_015840.4, NM_015841.4); short protein forms P351R, P360R, P56R.
Identifiers: ClinVar variation 3758165 (VCV003758165.2).

ClinVar aggregate classification (germline): Uncertain significance (1 of 4 stars; one submission).

Conditions:
Symmetrical dyschromatosis of extremities (DSH). Also called: DYSCHROMATOSIS SYMMETRICA HEREDITARIA 1; RETICULATE ACROPIGMENTATION OF DOHI; SYMMETRIC DYSCHROMATOSIS OF THE EXTREMITIES; Dyschromatosis symmetrica hereditaria. Identifiers: Orphanet 41, MedGen C0406775, MONDO:0007483, OMIM 127400.
Aicardi-Goutieres syndrome 6 (AGS6). Identifiers: Orphanet 51, MedGen C3539013, MONDO:0014007, OMIM 615010.

Submission:

Labcorp Genetics (formerly Invitae), Labcorp
Classification: Uncertain significance for Aicardi-Goutieres syndrome 6; Symmetrical dyschromatosis of extremities. Last evaluated: 2024-10-12. Review status: criteria provided, single submitter. Criteria: Invitae Variant Classification Sherloc (09022015). Collection method: clinical testing. Allele origin: germline.
Comment: This sequence change replaces proline, which is neutral and non-polar, with arginine, which is basic and polar, at codon 351 of the ADAR protein (p.Pro351Arg). This variant is not present in population databases (gnomAD no frequency). This variant has not been reported in the literature in individuals affected with ADAR-related conditions. Invitae Evidence Modeling of protein sequence and biophysical properties (such as structural, functional, and spatial information, amino acid conservation, physicochemical variation, residue mobility, and thermodynamic stability) indicates that this missense variant is not expected to disrupt ADAR protein function with a negative predictive value of 80%. In summary, the available evidence is currently insufficient to determine the role of this variant in disease. Therefore, it has been classified as a Variant of Uncertain Significance.